The following is an entry in ClinVar:

ClinVar aggregate classification (germline): Uncertain significance (1 of 4 stars; one submission).

Conditions:
Sulfite oxidase deficiency due to molybdenum cofactor deficiency type C. Also called: Molybdenum cofactor deficiency, complementation group C; Molybdenum cofactor deficiency C. Identifiers: Orphanet 308400, Orphanet 833, MedGen C1854990, MONDO:0014212, OMIM 615501.

Submission:

Labcorp Genetics (formerly Invitae), Labcorp
Classification: Uncertain significance for Sulfite oxidase deficiency due to molybdenum cofactor deficiency type C. Last evaluated: 2022-06-27. Review status: criteria provided, single submitter. Criteria: Invitae Variant Classification Sherloc (09022015). Collection method: clinical testing. Allele origin: germline.
Comment: In summary, the available evidence is currently insufficient to determine the role of this variant in disease. Therefore, it has been classified as a Variant of Uncertain Significance. Algorithms developed to predict the effect of sequence changes on RNA splicing suggest that this variant may disrupt the consensus splice site. Algorithms developed to predict the effect of missense changes on protein structure and function are either unavailable or do not agree on the potential impact of this missense change (SIFT: "Tolerated"; PolyPhen-2: "Probably Damaging"; Align-GVGD: "Class C0"). This variant has not been reported in the literature in individuals affected with GPHN-related conditions. This variant is not present in population databases (gnomAD no frequency). This sequence change replaces lysine, which is basic and polar, with arginine, which is basic and polar, at codon 243 of the GPHN protein (p.Lys243Arg).

NM_020806.5(GPHN):c.728A>G (p.Lys243Arg)

Gene: GPHN (gephyrin; plus strand). Cytogenetic location: 14q23.3.
Variant type: single nucleotide variant.
Coding change: c.728A>G on transcript NM_020806.5 (MANE Select); coding-DNA position 728, A replaced by G.
Protein change: p.Lys243Arg; replaces lysine 243 with arginine.
Molecular consequence: missense variant.
Genome position (GRCh38, 1-based): chr14:66,922,937, A>G. VCF-style: chr14-66922937-A-G. GRCh37 (hg19) VCF-style: chr14-67389654-A-G.
Other names: c.728A>G, p.Lys243Arg (NM_001024218.2, NM_001377515.1, NM_001377516.1 and 2 more transcripts); c.767A>G, p.Lys256Arg (NM_001377514.1, NM_001377519.1); short protein forms K243R, K256R.
Identifiers: ClinVar variation 1428875 (VCV001428875.8), dbSNP rs2153561553, ClinGen allele CA390256579.
Genomic context (GRCh38, chr14:66,922,937, plus strand): 5'-GTGTTGCTTCAACAGAAGATAGTTCCTCATCACATATAACTGCAGCAGCCATTGCTGCCA[A>G]GGTAAGCCTGATGAGAGTTACTCAGAGGCCTAAAGGACCCACAGGTAAATGTACTGGTTT-3'
Protein context (NP_065857.1, residues 233-253): SHITAAAIAA[Lys243Arg]KHPFYTSPAV